The following is an entry in ClinVar:

NM_022893.4(BCL11A):c.2471G>A (p.Ser824Asn)

Gene: BCL11A (BCL11 transcription factor A; minus strand). Cytogenetic location: 2p16.1.
Variant type: single nucleotide variant.
Coding change: c.2471G>A on transcript NM_022893.4 (MANE Select); coding-DNA position 2471, G replaced by A.
Protein change: p.Ser824Asn; replaces serine 824 with asparagine.
Molecular consequence: missense variant. On other transcripts: intron variant (3).
Genome position (GRCh38, 1-based): chr2:60,460,441, C>T on the plus strand (G>A on the coding strand, the complement: BCL11A is on the minus strand). VCF-style: chr2-60460441-C-T. GRCh37 (hg19) VCF-style: chr2-60687576-C-T.
Other names: c.2369G>A, p.Ser790Asn (NM_001365609.1, NM_001405711.1, NM_001405712.1); c.2471G>A, p.Ser824Asn (NM_001405708.1, NM_001405709.1); c.2315G>A, p.Ser772Asn (NM_001405713.1, NM_001405714.1, NM_001405715.1); c.2213G>A, p.Ser738Asn (NM_001405717.1, NM_001405718.1); c.2138G>A, p.Ser713Asn (NM_001405720.1, NM_001405721.1); c.2015G>A, p.Ser672Asn (NM_001405725.1, NM_001405726.1, NM_001405727.1 and 1 more transcripts); c.1778G>A, p.Ser593Asn (NM_001405729.1); c.630+1841G>A (NM_138559.2); and 2 more; short protein forms S593N, S672N, S713N, S738N, S772N, S790N, S824N.
Identifiers: ClinVar variation 2442747 (VCV002442747.1), dbSNP rs2466197301, ClinGen allele CA347035697.
Genomic context (GRCh38, chr2:60,460,441, plus strand): 5'-GAGGGAGGGGTATTAATATACCTCTATTCAGTTTTTATATCATTATTCAACACTCGATCA[C>T]TGTGCCATTTTTTCATGTGTTTCTCCAGGGTACTGTACACGCTAAAAGGCATCTTACAAA-3'
Protein context (NP_075044.2, residues 814-834): TLEKHMKKWH[Ser824Asn]DRVLNNDIKT

ClinVar aggregate classification (germline): Uncertain significance (1 of 4 stars; one submission).

Submission:

GeneDx
Classification: Uncertain significance. Last evaluated: 2022-08-29. Review status: criteria provided, single submitter. Criteria: GeneDx Variant Classification Process June 2021. Collection method: clinical testing. Allele origin: germline. Affected: yes.
Comment: Not observed at significant frequency in large population cohorts (gnomAD); In silico analysis supports that this missense variant does not alter protein structure/function; Has not been previously published as pathogenic or benign to our knowledge